The following is an entry in ClinVar:

NM_001232.4(CASQ2):c.19T>C (p.Phe7Leu)

Gene: CASQ2 (calsequestrin 2; minus strand). Cytogenetic location: 1p13.1.
Variant type: single nucleotide variant.
Coding change: c.19T>C on transcript NM_001232.4 (MANE Select); coding-DNA position 19, T replaced by C.
Protein change: p.Phe7Leu; replaces phenylalanine 7 with leucine.
Molecular consequence: missense variant.
Genome position (GRCh38, 1-based): chr1:115,768,523, A>G on the plus strand (T>C on the coding strand, the complement: CASQ2 is on the minus strand). VCF-style: chr1-115768523-A-G. GRCh37 (hg19) VCF-style: chr1-116311144-A-G.
Other names: short protein forms F7L.
Identifiers: ClinVar variation 162823 (VCV000162823.5), dbSNP rs727502911, ClinGen allele CA175384.

ClinVar aggregate classification (germline): Likely benign. Review status: criteria provided, multiple submitters, no conflicts (2 of 4 stars). 2 submissions from 2 submitters: Likely benign (2). Last evaluated 2025-06-22.

Conditions:
Cardiovascular phenotype. Identifiers: MedGen CN230736.

Allele frequency attached by ClinVar (database versions not stated): gnomAD exomes below 0.00001.
gnomAD v4.1: 1 of 1,612,028 alleles (0.000062%); highest among the groups gnomAD compares: Non-Finnish European, 0.000085%; no homozygotes.

Submissions (2):

Ambry Genetics
Classification: Likely benign for Cardiovascular phenotype. Last evaluated: 2025-06-22. Review status: criteria provided, single submitter. Criteria: Ambry Variant Classification Scheme 2023. Collection method: clinical testing. Allele origin: germline.

Laboratory for Molecular Medicine, Mass General Brigham Personalized Medicine
Classification: Likely benign. Last evaluated: 2014-09-26. Review status: criteria provided, single submitter. Criteria: LMM Criteria. Collection method: clinical testing. Allele origin: germline. Observed: 1 variant allele.
Comment: Phe7Lue in exon 1 of CASQ2: This variant is not expected to have clinical signif icance due to a lack of conservation across species, including mammals. Of note, 17 mammals have a leucine (Leu) at this position despite moderate nearby amino acid conservation. In addition, computational prediction tools do not suggest a high likelihood of impact to the protein.